The following is an entry in ClinVar:

ClinVar aggregate classification (germline): Benign. Review status: criteria provided, multiple submitters, no conflicts (2 of 4 stars). 2 submissions from 2 submitters: Benign (2). Last evaluated 2016-03-28.

Allele frequency attached by ClinVar (database versions not stated): 1000 Genomes Project 30x 0.01562; 1000 Genomes Project 0.01597; TOPMed 0.02746; ESP Exome Variant Server 0.03044.
gnomAD v4.1: 57,605 of 1,545,784 alleles (3.7%); highest among the groups gnomAD compares: Middle Eastern, 6.6%; 1,263 homozygotes.

Submissions (2):

Laboratory for Molecular Medicine, Mass General Brigham Personalized Medicine
Classification: Benign. Last evaluated: 2016-03-28. Review status: criteria provided, single submitter. Criteria: LMM Criteria. Collection method: clinical testing. Allele origin: germline.
Comment: Variant identified in a genome or exome case(s) and assessed due to predicted null impact of the variant or pathogenic assertions in the literature or databases. Disclaimer: This variant has not undergone full assessment. The following are preliminary notes: Frequency

Breakthrough Genomics
Classification: Benign. Review status: criteria provided, single submitter. Criteria: ACMG Guidelines, 2015. Collection method: not provided. Allele origin: germline. Inheritance: Unknown mechanism. Affected: yes.

NM_001367479.1(DNAH14):c.2792C>A (p.Ala931Asp)

Gene: DNAH14 (dynein axonemal heavy chain 14; plus strand). Cytogenetic location: 1q42.12.
Variant type: single nucleotide variant.
Coding change: c.2792C>A on transcript NM_001367479.1 (MANE Select); coding-DNA position 2792, C replaced by A.
Protein change: p.Ala931Asp; replaces alanine 931 with aspartic acid.
Molecular consequence: missense variant.
Genome position (GRCh38, 1-based): chr1:225,080,404, C>A. VCF-style: chr1-225080404-C-A. GRCh37 (hg19) VCF-style: chr1-225268106-C-A.
Other names: short protein forms A931D.
Identifiers: ClinVar variation 402646 (VCV000402646.5), dbSNP rs115366080, ClinGen allele CA1415828.
Genomic context (GRCh38, chr1:225,080,404, plus strand): 5'-GATTTCTCTTAGAAAGTCCTACTCTTATTTTTTAGATAAGAACTCCTCTTCTGTTATGTG[C>A]TGGTACTCAAGTGTCAACAGCAATGGAAATGATCCAGACTCTCTCAGGGGAAGCTGCAAG-3'
Protein context (NP_001354408.1, residues 921-941): AKIRTPLLLC[Ala931Asp]GTQVSTAMEM